The following is an entry in ClinVar:

ClinVar aggregate classification (germline): Uncertain significance (1 of 4 stars; one submission).

Submission:

Labcorp Genetics (formerly Invitae), Labcorp
Classification: Uncertain significance. Last evaluated: 2025-03-11. Review status: criteria provided, single submitter. Criteria: Invitae Variant Classification Sherloc (09022015). Collection method: clinical testing. Allele origin: germline.
Comment: This sequence change replaces glutamic acid, which is acidic and polar, with lysine, which is basic and polar, at codon 1344 of the LTBP1 protein (p.Glu1344Lys). This variant is not present in population databases (gnomAD no frequency). This variant has not been reported in the literature in individuals affected with LTBP1-related conditions. An algorithm developed to predict the effect of missense changes on protein structure and function (PolyPhen-2) suggests that this variant is likely to be tolerated. In summary, the available evidence is currently insufficient to determine the role of this variant in disease. Therefore, it has been classified as a Variant of Uncertain Significance.

NM_206943.4(LTBP1):c.4030G>A (p.Glu1344Lys)

Gene: LTBP1 (latent transforming growth factor beta binding protein 1; plus strand). Cytogenetic location: 2p22.3.
Variant type: single nucleotide variant.
Coding change: c.4030G>A on transcript NM_206943.4 (MANE Select); coding-DNA position 4030, G replaced by A.
Protein change: p.Glu1344Lys; replaces glutamic acid 1344 with lysine.
Molecular consequence: missense variant.
Genome position (GRCh38, 1-based): chr2:33,360,626, G>A. VCF-style: chr2-33360626-G-A. GRCh37 (hg19) VCF-style: chr2-33585693-G-A.
Other names: c.3052G>A, p.Glu1018Lys (NM_000627.4); c.2926G>A, p.Glu976Lys (NM_001166264.2, NM_001394909.1); c.2893G>A, p.Glu965Lys (NM_001166265.2); c.2767G>A, p.Glu923Lys (NM_001166266.2, NM_001394920.1); c.3871G>A, p.Glu1291Lys (NM_001394905.1); c.3049G>A, p.Glu1017Lys (NM_001394906.1); c.2965G>A, p.Glu989Lys (NM_001394907.1); c.2932G>A, p.Glu978Lys (NM_001394908.1); and 13 more; short protein forms E1017K, E964K, E1291K, E833K, E937K, E976K, E978K, E1344K.
Identifiers: ClinVar variation 4714834 (VCV004714834.1).